The following is an entry in ClinVar:

ClinVar aggregate classification (germline): Likely benign (1 of 4 stars; one submission).

Allele frequency attached by ClinVar (database versions not stated): gnomAD exomes below 0.00001.
gnomAD v4.1: 4 of 1,614,016 alleles (0.00025%); highest among the groups gnomAD compares: South Asian, 0.0011%; no homozygotes.

Submission:

CeGaT Center for Human Genetics Tuebingen
Classification: Likely benign. Last evaluated: 2022-11-01. Review status: criteria provided, single submitter. Criteria: CeGaT Center For Human Genetics Tuebingen Variant Classification Criteria Version 2. Collection method: clinical testing. Allele origin: germline. Affected: yes. Observed: 1 variant allele.
Comment: ZMIZ2: BP4, BP7

NM_031449.4(ZMIZ2):c.1404A>G (p.Gln468=)

Gene: ZMIZ2 (zinc finger MIZ-type containing 2; plus strand). Cytogenetic location: 7p13.
Variant type: single nucleotide variant.
Coding change: c.1404A>G on transcript NM_031449.4 (MANE Select); coding-DNA position 1404, A replaced by G.
Protein change: p.Gln468=; no amino-acid change (glutamine 468 retained).
Molecular consequence: synonymous variant.
Genome position (GRCh38, 1-based): chr7:44,761,713, A>G. VCF-style: chr7-44761713-A-G. GRCh37 (hg19) VCF-style: chr7-44801312-A-G.
Other names: c.1230A>G, p.Gln410= (NM_001300959.2); c.1326A>G, p.Gln442= (NM_174929.2).
Identifiers: ClinVar variation 2657438 (VCV002657438.24), dbSNP rs948815746, ClinGen allele CA157946894.